The following is an entry in ClinVar:

NM_152703.5(SAMD9L):c.2558A>G (p.Asp853Gly)

Gene: SAMD9L (sterile alpha motif domain containing 9 like; minus strand). Cytogenetic location: 7q21.2.
Variant type: single nucleotide variant.
Coding change: c.2558A>G on transcript NM_152703.5 (MANE Select); coding-DNA position 2558, A replaced by G.
Protein change: p.Asp853Gly; replaces aspartic acid 853 with glycine.
Molecular consequence: missense variant.
Genome position (GRCh38, 1-based): chr7:93,133,414, T>C on the plus strand (A>G on the coding strand, the complement: SAMD9L is on the minus strand). VCF-style: chr7-93133414-T-C. GRCh37 (hg19) VCF-style: chr7-92762727-T-C.
Other names: c.2558A>G, p.Asp853Gly (NM_001303496.3, NM_001303497.3, NM_001303498.3 and 5 more transcripts); short protein forms D853G.
Identifiers: ClinVar variation 3949840 (VCV003949840.1).

ClinVar aggregate classification (germline): Uncertain significance (1 of 4 stars; one submission).

Conditions:
Inborn genetic diseases. Identifiers: MedGen C0950123, MeSH D030342.

Submission:

Ambry Genetics
Classification: Uncertain significance for Inborn genetic diseases. Last evaluated: 2025-04-13. Review status: criteria provided, single submitter. Criteria: Ambry Variant Classification Scheme 2023. Collection method: clinical testing. Allele origin: germline.
Comment: The p.D853G variant (also known as c.2558A>G), located in coding exon 1 of the SAMD9L gene, results from an A to G substitution at nucleotide position 2558. The aspartic acid at codon 853 is replaced by glycine, an amino acid with similar properties. This amino acid position is conserved. In addition, this alteration is predicted to be tolerated by in silico analysis. Based on the available evidence, the clinical significance of this variant remains unclear.